The following is an entry in ClinVar:

NM_006947.4(SRP72):c.1819G>T (p.Ala607Ser)

Gene: SRP72 (signal recognition particle 72; plus strand). Cytogenetic location: 4q12.
Variant type: single nucleotide variant.
Coding change: c.1819G>T on transcript NM_006947.4 (MANE Select); coding-DNA position 1819, G replaced by T.
Protein change: p.Ala607Ser; replaces alanine 607 with serine.
Molecular consequence: missense variant. On other transcripts: non-coding transcript variant (1).
Genome position (GRCh38, 1-based): chr4:56,500,676, G>T. VCF-style: chr4-56500676-G-T. GRCh37 (hg19) VCF-style: chr4-57366842-G-T.
Other names: c.1819G>T (NM_006947.3); c.1636G>T, p.Ala546Ser (NM_001267722.2); short protein forms A607S, A546S.
Identifiers: ClinVar variation 3683108 (VCV003683108.3).

ClinVar aggregate classification (germline): Uncertain significance. Review status: criteria provided, multiple submitters, no conflicts (2 of 4 stars). 2 submissions from 2 submitters: Uncertain significance (2). Last evaluated 2025-09-01.

Submissions (2):

Ambry Genetics
Classification: Uncertain significance. Last evaluated: 2025-09-01. Review status: criteria provided, single submitter. Criteria: Ambry Variant Classification Scheme 2023. Collection method: clinical testing. Allele origin: germline.
Comment: The p.A607S variant (also known as c.1819G>T), located in coding exon 18 of the SRP72 gene, results from a G to T substitution at nucleotide position 1819. The alanine at codon 607 is replaced by serine, an amino acid with similar properties. This amino acid position is conserved. In addition, this alteration is predicted to be tolerated by in silico analysis. Based on the available evidence, the clinical significance of this variant remains unclear.

Labcorp Genetics (formerly Invitae), Labcorp
Classification: Uncertain significance. Last evaluated: 2024-05-15. Review status: criteria provided, single submitter. Criteria: Invitae Variant Classification Sherloc (09022015). Collection method: clinical testing. Allele origin: germline.
Comment: This sequence change replaces alanine, which is neutral and non-polar, with serine, which is neutral and polar, at codon 607 of the SRP72 protein (p.Ala607Ser). This variant is not present in population databases (gnomAD no frequency). This variant has not been reported in the literature in individuals affected with SRP72-related conditions. Advanced modeling of protein sequence and biophysical properties (such as structural, functional, and spatial information, amino acid conservation, physicochemical variation, residue mobility, and thermodynamic stability) performed at Invitae indicates that this missense variant is not expected to disrupt SRP72 protein function with a negative predictive value of 80%. In summary, the available evidence is currently insufficient to determine the role of this variant in disease. Therefore, it has been classified as a Variant of Uncertain Significance.